The following is an entry in ClinVar:

ClinVar aggregate classification (germline): Conflicting classifications of pathogenicity. Review status: criteria provided, conflicting classifications (1 of 4 stars). 3 submissions from 3 submitters: Uncertain significance (2); Benign (1). Last evaluated 2024-11-11.

Conditions:
Acrocallosal syndrome (ACLS). Also called: Schinzel syndrome 1; Absence of corpus callosum with unusual facial appearance, mental deficiency, duplication of the halluces and polydactyly; HALLUX DUPLICATION, POSTAXIAL POLYDACTYLY, AND ABSENCE OF CORPUS CALLOSUM. Identifiers: Orphanet 36, MedGen C0796147, MONDO:0008708, OMIM 200990.
Inborn genetic diseases. Identifiers: MedGen C0950123, MeSH D030342.

Allele frequency attached by ClinVar (database versions not stated): gnomAD exomes 0.00002 and 0.00006; ExAC 0.00006; TOPMed 0.00029; gnomAD 0.00030 and 0.00034; ESP Exome Variant Server 0.00039.
gnomAD v4.1: 70 of 1,613,006 alleles (0.0043%); highest among the groups gnomAD compares: African/African-American, 0.087%; no homozygotes.

Submissions (3):

Labcorp Genetics (formerly Invitae), Labcorp
Classification: Uncertain significance for Acrocallosal syndrome. Last evaluated: 2024-11-11. Review status: criteria provided, single submitter. Criteria: Invitae Variant Classification Sherloc (09022015). Collection method: clinical testing. Allele origin: germline.
Comment: This sequence change replaces threonine, which is neutral and polar, with asparagine, which is neutral and polar, at codon 1261 of the KIF7 protein (p.Thr1261Asn). This variant is present in population databases (rs147195322, gnomAD 0.1%). This variant has not been reported in the literature in individuals affected with KIF7-related conditions. ClinVar contains an entry for this variant (Variation ID: 1398722). Invitae Evidence Modeling of protein sequence and biophysical properties (such as structural, functional, and spatial information, amino acid conservation, physicochemical variation, residue mobility, and thermodynamic stability) indicates that this missense variant is not expected to disrupt KIF7 protein function with a negative predictive value of 80%. In summary, the available evidence is currently insufficient to determine the role of this variant in disease. Therefore, it has been classified as a Variant of Uncertain Significance.

Blueprint Genetics
Classification: Benign. Last evaluated: 2024-06-26. Review status: criteria provided, single submitter. Criteria: ACMG Guidelines, 2015. Collection method: clinical testing. Allele origin: germline.

Ambry Genetics
Classification: Uncertain significance for Inborn genetic diseases. Last evaluated: 2023-12-28. Review status: criteria provided, single submitter. Criteria: Ambry Variant Classification Scheme 2023. Collection method: clinical testing. Allele origin: germline.

NM_198525.3(KIF7):c.3782C>A (p.Thr1261Asn)

Gene: KIF7 (kinesin family member 7; minus strand). Cytogenetic location: 15q26.1.
Variant type: single nucleotide variant.
Coding change: c.3782C>A on transcript NM_198525.3 (MANE Select); coding-DNA position 3782, C replaced by A.
Protein change: p.Thr1261Asn; replaces threonine 1261 with asparagine.
Molecular consequence: missense variant.
Genome position (GRCh38, 1-based): chr15:89,628,669, G>T on the plus strand (C>A on the coding strand, the complement: KIF7 is on the minus strand). VCF-style: chr15-89628669-G-T. GRCh37 (hg19) VCF-style: chr15-90171900-G-T.
Other names: c.3782C>A (NM_198525.2); short protein forms T1261N.
Identifiers: ClinVar variation 1398722 (VCV001398722.6), dbSNP rs147195322, ClinGen allele CA7727533.